The following is an entry in ClinVar:

ClinVar aggregate classification (germline): Uncertain significance. Review status: criteria provided, multiple submitters, no conflicts (2 of 4 stars). 2 submissions from 2 submitters: Uncertain significance (2). Last evaluated 2025-03-16.

gnomAD v4.1: 4 of 1,613,984 alleles (0.00025%); highest among the groups gnomAD compares: South Asian, 0.0011%; no homozygotes.

Submissions (2):

Labcorp Genetics (formerly Invitae), Labcorp
Classification: Uncertain significance. Last evaluated: 2025-03-16. Review status: criteria provided, single submitter. Criteria: Invitae Variant Classification Sherloc (09022015). Collection method: clinical testing. Allele origin: germline.
Comment: This sequence change replaces proline, which is neutral and non-polar, with leucine, which is neutral and non-polar, at codon 691 of the ZBTB20 protein (p.Pro691Leu). This variant is not present in population databases (gnomAD no frequency). This variant has not been reported in the literature in individuals affected with ZBTB20-related conditions. Invitae Evidence Modeling of protein sequence and biophysical properties (such as structural, functional, and spatial information, amino acid conservation, physicochemical variation, residue mobility, and thermodynamic stability) indicates that this missense variant is not expected to disrupt ZBTB20 protein function with a negative predictive value of 95%. In summary, the available evidence is currently insufficient to determine the role of this variant in disease. Therefore, it has been classified as a Variant of Uncertain Significance.

Blueprint Genetics
Classification: Uncertain significance. Last evaluated: 2022-01-24. Review status: criteria provided, single submitter. Criteria: ACMG Guidelines, 2015. Collection method: clinical testing. Allele origin: germline.

NM_001348800.3(ZBTB20):c.2072C>T (p.Pro691Leu)

Gene: ZBTB20 (zinc finger and BTB domain containing 20; minus strand). Cytogenetic location: 3q13.31.
Variant type: single nucleotide variant.
Coding change: c.2072C>T on transcript NM_001348800.3 (MANE Select); coding-DNA position 2072, C replaced by T.
Protein change: p.Pro691Leu; replaces proline 691 with leucine.
Molecular consequence: missense variant. On other transcripts: non-coding transcript variant (1).
Genome position (GRCh38, 1-based): chr3:114,339,159, G>A on the plus strand (C>T on the coding strand, the complement: ZBTB20 is on the minus strand). VCF-style: chr3-114339159-G-A. GRCh37 (hg19) VCF-style: chr3-114058006-G-A.
Other names: c.2072C>T, p.Pro691Leu (NM_001164342.2, NM_001348803.3, NM_001393393.1 and 1 more transcripts); c.1853C>T, p.Pro618Leu (NM_001164343.2, NM_001164344.4, NM_001164345.4 and 9 more transcripts); short protein forms P618L, P691L.
Identifiers: ClinVar variation 4799741 (VCV004799741.2).